The following is an entry in ClinVar:

ClinVar aggregate classification (germline): Uncertain significance (1 of 4 stars; one submission).

Submission:

GeneDx
Classification: Uncertain significance. Last evaluated: 2024-05-02. Review status: criteria provided, single submitter. Criteria: GeneDx Variant Classification Process June 2021. Collection method: clinical testing. Allele origin: germline. Affected: yes.
Comment: Not observed at significant frequency in large population cohorts (gnomAD); In silico analysis indicates that this missense variant does not alter protein structure/function; Has not been previously published as pathogenic or benign to our knowledge

NM_001183.6(ATP6AP1):c.575C>A (p.Pro192His)

Gene: ATP6AP1 (ATPase H+ transporting accessory protein 1; plus strand). Cytogenetic location: Xq28.
Variant type: single nucleotide variant.
Coding change: c.575C>A on transcript NM_001183.6 (MANE Select); coding-DNA position 575, C replaced by A.
Protein change: p.Pro192His; replaces proline 192 with histidine.
Molecular consequence: missense variant.
Genome position (GRCh38, 1-based): chrX:154,432,948, C>A. VCF-style: chrX-154432948-C-A. GRCh37 (hg19) VCF-style: chrX-153661294-C-A.
Other names: short protein forms P192H.
Identifiers: ClinVar variation 3376052 (VCV003376052.1).